The following is an entry in ClinVar:

ClinVar aggregate classification (germline): Uncertain significance (1 of 4 stars; one submission).

Conditions:
Bethlem myopathy 1A. Also called: MYOPATHY, BENIGN CONGENITAL, WITH CONTRACTURES; Bethlem myopathy 1; Bethlem Muscular Dystrophy. Identifiers: Orphanet 610, MedGen CN029274, MONDO:0024530, OMIM 158810.

gnomAD v4.1: 1 of 1,607,132 alleles (0.000062%); highest among the groups gnomAD compares: Non-Finnish European, 0.000085%; no homozygotes.

Submission:

Labcorp Genetics (formerly Invitae), Labcorp
Classification: Uncertain significance for Bethlem myopathy 1A. Last evaluated: 2025-07-13. Review status: criteria provided, single submitter. Criteria: Invitae Variant Classification Sherloc (09022015). Collection method: clinical testing. Allele origin: germline.
Comment: This sequence change replaces alanine, which is neutral and non-polar, with valine, which is neutral and non-polar, at codon 962 of the COL6A1 protein (p.Ala962Val). This variant is not present in population databases (gnomAD no frequency). This variant has not been reported in the literature in individuals affected with COL6A1-related conditions. Invitae Evidence Modeling of protein sequence and biophysical properties (such as structural, functional, and spatial information, amino acid conservation, physicochemical variation, residue mobility, and thermodynamic stability) indicates that this missense variant is not expected to disrupt COL6A1 protein function with a negative predictive value of 95%. In summary, the available evidence is currently insufficient to determine the role of this variant in disease. Therefore, it has been classified as a Variant of Uncertain Significance.

NM_001848.3(COL6A1):c.2885C>T (p.Ala962Val)

Gene: COL6A1 (collagen type VI alpha 1 chain; plus strand). Cytogenetic location: 21q22.3.
Variant type: single nucleotide variant.
Coding change: c.2885C>T on transcript NM_001848.3 (MANE Select); coding-DNA position 2885, C replaced by T.
Protein change: p.Ala962Val; replaces alanine 962 with valine.
Molecular consequence: missense variant.
Genome position (GRCh38, 1-based): chr21:46,003,811, C>T. VCF-style: chr21-46003811-C-T. GRCh37 (hg19) VCF-style: chr21-47423725-C-T.
Other names: short protein forms A962V.
Identifiers: ClinVar variation 4717434 (VCV004717434.1).
Genomic context (GRCh38, chr21:46,003,811, plus strand): 5'-TCTCAGATGGCAACTCGCAGGGCGCCACGCCCGCTGCCATCGAGAAGGCCGTGCAGGAAG[C>T]CCAGCGGGCAGGCATCGAGATCTTCGTGGTGGTCGTGGGCCGCCAGGTGAATGAGCCCCA-3'
Protein context (NP_001839.2, residues 952-972): PAAIEKAVQE[Ala962Val]QRAGIEIFVV